The following is an entry in ClinVar:

NM_000901.5(NR3C2):c.2102C>G (p.Pro701Arg)

Gene: NR3C2 (nuclear receptor subfamily 3 group C member 2; minus strand). Cytogenetic location: 4q31.23.
Variant type: single nucleotide variant.
Coding change: c.2102C>G on transcript NM_000901.5 (MANE Select); coding-DNA position 2102, C replaced by G.
Protein change: p.Pro701Arg; replaces proline 701 with arginine.
Molecular consequence: missense variant. On other transcripts: intron variant (2).
Genome position (GRCh38, 1-based): chr4:148,154,814, G>C on the plus strand (C>G on the coding strand, the complement: NR3C2 is on the minus strand). VCF-style: chr4-148154814-G-C. GRCh37 (hg19) VCF-style: chr4-149075965-G-C.
Other names: c.2015-2201C>G (NM_001354819.1, NM_001166104.2); short protein forms P701R.
Identifiers: ClinVar variation 347724 (VCV000347724.6), dbSNP rs754694314, ClinGen allele CA10620242.
Genomic context (GRCh38, chr4:148,154,814, plus strand): 5'-GTGTTGACCGAGGGTTCTTTTGCAGGAGCGATGTACGTTGTCCCTTCCTCTGGGCTTTGC[G>C]GGGGTGGGGGTGGGGGTGGGGGCTGCTGCTGCTGTGGCTGCTCCTCGTGAATCCCTTTTA-3'
Protein context (NP_000892.2, residues 691-711): QQQPPPPPPP[Pro701Arg]QSPEEGTTYI

ClinVar aggregate classification (germline): Uncertain significance. Review status: criteria provided, multiple submitters, no conflicts (2 of 4 stars). 2 submissions from 2 submitters: Uncertain significance (2). Last evaluated 2023-10-23.

Conditions:
Autosomal dominant pseudohypoaldosteronism type 1. Also called: Pseudohypoaldosteronism, Type I, Autosomal Dominant; PHA I, AUTOSOMAL DOMINANT; Pseudohypoaldosteronism, Type I, Dominant. Identifiers: Orphanet 171871, Orphanet 756, MedGen C1449842, MONDO:0008329, OMIM 177735.

gnomAD v4.1: 13 of 1,588,126 alleles (0.00082%); highest among the groups gnomAD compares: Non-Finnish European, 0.0011%; no homozygotes.

Submissions (2):

GeneDx
Classification: Uncertain significance. Last evaluated: 2023-10-23. Review status: criteria provided, single submitter. Criteria: GeneDx Variant Classification Process June 2021. Collection method: clinical testing. Allele origin: germline. Affected: yes.
Comment: Not observed at significant frequency in large population cohorts (gnomAD); In silico analysis supports that this missense variant does not alter protein structure/function; Has not been previously published as pathogenic or benign to our knowledge

Illumina Laboratory Services, Illumina
Classification: Uncertain significance for Autosomal dominant pseudohypoaldosteronism type 1. Last evaluated: 2018-01-13. Review status: criteria provided, single submitter. Criteria: ICSL Variant Classification Criteria 13 December 2019. Collection method: clinical testing. Allele origin: germline.